The following is an entry in ClinVar:

NC_000005.9:g.(?_149240458)_(149240554_?)dup

Gene: PDE6A (phosphodiesterase 6A; minus strand). Cytogenetic location: 5q32.
Variant type: Duplication.
Identifiers: ClinVar variation 1476060 (VCV001476060.4).

ClinVar aggregate classification (germline): Uncertain significance (1 of 4 stars; one submission).

Submission:

Labcorp Genetics (formerly Invitae), Labcorp
Classification: Uncertain significance. Last evaluated: 2021-05-21. Review status: criteria provided, single submitter. Criteria: Invitae Variant Classification Sherloc (09022015). Collection method: clinical testing. Allele origin: germline.
Comment: In summary, the available evidence is currently insufficient to determine the role of this variant in disease. Therefore, it has been classified as a Variant of Uncertain Significance. Experimental studies and prediction algorithms are not available or were not evaluated, and the functional significance of this variant is currently unknown. This variant has not been reported in the literature in individuals with PDE6A-related conditions. This variant results in a copy number gain of the genomic region encompassing exon(s) 22 of the PDE6A gene. The 5' boundary is likely confined to intron 21. The 3' end of this event is unknown as it extends beyond the assayed region for this gene and therefore may encompass additional genes. As the precise location of this event is unknown, it may be in tandem or it may be located elsewhere in the genome.